The following is an entry in ClinVar:

NM_001035.3(RYR2):c.5256C>T (p.Gly1752=)

Gene: RYR2 (ryanodine receptor 2; plus strand). Cytogenetic location: 1q43.
Variant type: single nucleotide variant.
Coding change: c.5256C>T on transcript NM_001035.3 (MANE Select); coding-DNA position 5256, C replaced by T.
Protein change: p.Gly1752=; no amino-acid change (glycine 1752 retained).
Molecular consequence: synonymous variant.
Genome position (GRCh38, 1-based): chr1:237,614,384, C>T. VCF-style: chr1-237614384-C-T. GRCh37 (hg19) VCF-style: chr1-237777684-C-T.
Identifiers: ClinVar variation 1561992 (VCV001561992.11), dbSNP rs1350989279, ClinGen allele CA424031258.

ClinVar aggregate classification (germline): Likely benign. Review status: criteria provided, multiple submitters, no conflicts (2 of 4 stars). 2 submissions from 2 submitters: Likely benign (2). Last evaluated 2026-05-01.

Conditions:
Catecholaminergic polymorphic ventricular tachycardia 1. Also called: VENTRICULAR TACHYCARDIA, CATECHOLAMINERGIC POLYMORPHIC, 1, WITH OR WITHOUT ATRIAL DYSFUNCTION AND/OR DILATED CARDIOMYOPATHY; RYR2-Related Catecholaminergic Polymorphic Ventricular Tachycardia; VENTRICULAR TACHYCARDIA, STRESS-INDUCED POLYMORPHIC 1. Identifiers: Orphanet 3286, MedGen C1631597, MONDO:0011484, OMIM 604772.

Allele frequency attached by ClinVar (database versions not stated): gnomAD exomes below 0.00001.

Submissions (2):

CeGaT Center for Human Genetics Tuebingen
Classification: Likely benign. Last evaluated: 2026-05-01. Review status: criteria provided, single submitter. Criteria: CeGaT Center For Human Genetics Tuebingen Variant Classification Criteria Version 2. Collection method: clinical testing. Allele origin: germline. Affected: yes. Observed: 1 variant allele.
Comment: RYR2: BP4, BP7

Labcorp Genetics (formerly Invitae), Labcorp
Classification: Likely benign for Catecholaminergic polymorphic ventricular tachycardia 1. Last evaluated: 2023-05-25. Review status: criteria provided, single submitter. Criteria: Invitae Variant Classification Sherloc (09022015). Collection method: clinical testing. Allele origin: germline.